The following is an entry in ClinVar:

NM_000531.6(OTC):c.1039C>A (p.Pro347Thr)

Gene: OTC (ornithine transcarbamylase; plus strand). Cytogenetic location: Xp11.4.
Variant type: single nucleotide variant.
Coding change: c.1039C>A on transcript NM_000531.6 (MANE Select); coding-DNA position 1039, C replaced by A.
Protein change: p.Pro347Thr; replaces proline 347 with threonine.
Molecular consequence: missense variant.
Genome position (GRCh38, 1-based): chrX:38,421,056, C>A. VCF-style: chrX-38421056-C-A. GRCh37 (hg19) VCF-style: chrX-38280309-C-A.
Other names: short protein forms P347T.
Identifiers: ClinVar variation 97102 (VCV000097102.3), dbSNP rs72558493, ClinGen allele CA224446.
Genomic context (GRCh38, chrX:38,421,056, plus strand): 5'-TTCTTTCTTTCTTTGTTGTGTCATCAGGCTGTCATGGTGTCCCTGCTGACAGATTACTCA[C>A]CTCAGCTCCAGAAGCCTAAATTTTGATGTTGTGTTACTTGTCAAGAAAGAAGCAATGTTC-3'
Protein context (NP_000522.3, residues 337-354): VMVSLLTDYS[Pro347Thr]QLQKPKF

ClinVar aggregate classification (germline): Likely pathogenic. Review status: criteria provided, single submitter (1 of 4 stars). 2 submissions from 2 submitters: Likely pathogenic (1). 1 of the submissions does not count toward it. Last evaluated 2024-10-04.

Conditions:
Ornithine carbamoyltransferase deficiency (OTCD). Also called: ORNITHINE TRANSCARBAMYLASE DEFICIENCY, HYPERAMMONEMIA DUE TO; ORNITHINE TRANSCARBAMYLASE DEFICIENCY; OTC DEFICIENCY; Ornithine Carbamoyltransferase Deficiency Disease. Identifiers: Orphanet 664, MedGen C0268542, MONDO:0010703, OMIM 311250.

Submissions (2):

Revvity Omics, Revvity
Classification: Likely pathogenic for Ornithine carbamoyltransferase deficiency. Last evaluated: 2024-10-04. Review status: criteria provided, single submitter. Criteria: ACMG Guidelines, 2015. Collection method: clinical testing. Allele origin: germline.

GenMed Metabolism Lab
Classification: Pathogenic. Review status: no assertion criteria provided. Collection method: not provided. Allele origin: unknown. Not counted in ClinVar's aggregate classification.
ClinVar note: Converted during submission from pathogenic to Pathogenic.